The following is an entry in ClinVar:

ClinVar aggregate classification (germline): Uncertain significance (1 of 4 stars; one submission).

Conditions:
POLD1-related polyposis and colorectal cancer syndrome (CRCS10). Also called: Colorectal cancer 10; COLORECTAL CANCER, SUSCEPTIBILITY TO, ON CHROMOSOME 19q; Colorectal cancer, susceptibility to, 10. Identifiers: Orphanet 220460, MedGen C2675481, MONDO:0012953, OMIM 612591.

Submission:

Labcorp Genetics (formerly Invitae), Labcorp
Classification: Uncertain significance for POLD1-related polyposis and colorectal cancer syndrome. Last evaluated: 2023-02-28. Review status: criteria provided, single submitter. Criteria: Invitae Variant Classification Sherloc (09022015). Collection method: clinical testing. Allele origin: germline.
Comment: In summary, the available evidence is currently insufficient to determine the role of this variant in disease. Therefore, it has been classified as a Variant of Uncertain Significance. This variant has not been reported in the literature in individuals affected with POLD1-related conditions. This variant is not present in population databases (gnomAD no frequency). This sequence change creates a premature translational stop signal (p.Asp67Glufs*9) in the POLD1 gene. Missense variants that disrupt the 3'-5' exonuclease (proof-reading) activity of the POLD1 protein are associated with PPAP (polymerase proofreading–associated polyposis) (PMID: 23263490, 23447401). However, loss-of-function variants that result in an absent or severely disrupted POLD1 protein, and missense variants outside the exonuclease domain, are unlikely to be associated with PPAP.

Literature cited by the submitters: PubMed 23263490; PubMed 23447401.

NM_002691.4(POLD1):c.201del (p.Asp67fs)

Gene: POLD1 (DNA polymerase delta 1, catalytic subunit; plus strand). Cytogenetic location: 19q13.33.
Variant type: Deletion.
Coding change: c.201del on transcript NM_002691.4 (MANE Select); coding-DNA position 201, one base deleted (C; older notation c.201delC).
Protein change: p.Asp67fs; shifts the reading frame from aspartic acid 67.
Molecular consequence: frameshift variant. On other transcripts: non-coding transcript variant (1).
Genome position (GRCh38, 1-based): chr19:50,399,052, C deleted. VCF-style (leftmost placement, unchanged base first): chr19-50399051-AC-A. GRCh37 (hg19) VCF-style: chr19-50902308-AC-A.
Other names: c.201del, p.Asp67fs (NM_001256849.1, NM_001308632.1); short protein forms D67fs.
Identifiers: ClinVar variation 2841486 (VCV002841486.3), dbSNP rs2549597488, ClinGen allele CA2739276994.
Genomic context (GRCh38, chr19:50,399,051, plus strand): 5'-AACACAGGCTGCAGGAGCAGGAGGAGGAGGAGCTGCAGTCAGTCCTGGAGGGGGTTGCAG[AC>A]GGTAAGGCTTGGAGTTGGAGGTTCCTGCTGCCCAACCCATTGCCCCTGGTCTTGCCTTTG-3'